The following is an entry in ClinVar:

NM_001267550.2(TTN):c.102659C>T (p.Ser34220Phe)

Genes: TTN (titin; minus strand), TTN-AS1 (TTN antisense RNA 1; plus strand). Cytogenetic location: 2q31.2.
Variant type: single nucleotide variant.
Coding change: c.102659C>T on transcript NM_001267550.2 (MANE Select); coding-DNA position 102659, C replaced by T.
Protein change: p.Ser34220Phe; replaces serine 34220 with phenylalanine.
Molecular consequence: missense variant.
Genome position (GRCh38, 1-based): chr2:178,533,956, G>A on the plus strand (C>T on the coding strand, the complement: TTN is on the minus strand). VCF-style: chr2-178533956-G-A. GRCh37 (hg19) VCF-style: chr2-179398683-G-A.
Other names: c.97736C>T, p.Ser32579Phe (NM_001256850.1); c.75464C>T, p.Ser25155Phe (NM_003319.4); c.94955C>T, p.Ser31652Phe (NM_133378.4); c.75839C>T, p.Ser25280Phe (NM_133432.3); c.76040C>T, p.Ser25347Phe (NM_133437.4); short protein forms S25155F, S31652F, S25280F, S25347F, S32579F, S34220F.
Identifiers: ClinVar variation 2094434 (VCV002094434.4), dbSNP rs2468514780, ClinGen allele CA349417040.

ClinVar aggregate classification (germline): Uncertain significance (1 of 4 stars; one submission).

Conditions:
Autosomal recessive limb-girdle muscular dystrophy type 2J (LGMDR10). Also called: Limb-girdle muscular dystrophy, type 2J; MUSCULAR DYSTROPHY, LIMB-GIRDLE, AUTOSOMAL RECESSIVE 10. Identifiers: Orphanet 140922, MedGen C1837342, MONDO:0012127, OMIM 608807.
Dilated cardiomyopathy 1G (CMD1G). Identifiers: Orphanet 154, MedGen C1858763, MONDO:0011400, OMIM 604145.

Submission:

Labcorp Genetics (formerly Invitae), Labcorp
Classification: Uncertain significance for Dilated cardiomyopathy 1G; Autosomal recessive limb-girdle muscular dystrophy type 2J. Last evaluated: 2022-02-07. Review status: criteria provided, single submitter. Criteria: Invitae Variant Classification Sherloc (09022015). Collection method: clinical testing. Allele origin: germline.
Comment: This variant has not been reported in the literature in individuals affected with TTN-related conditions. This sequence change replaces serine, which is neutral and polar, with phenylalanine, which is neutral and non-polar, at codon 34220 of the TTN protein (p.Ser34220Phe). This variant is not present in population databases (gnomAD no frequency). Experimental studies and prediction algorithms are not available or were not evaluated, and the functional significance of this variant is currently unknown. In summary, the available evidence is currently insufficient to determine the role of this variant in disease. Therefore, it has been classified as a Variant of Uncertain Significance.